The following is an entry in ClinVar:

ClinVar aggregate classification (germline): Likely pathogenic. Review status: criteria provided, multiple submitters, no conflicts (2 of 4 stars). 2 submissions from 2 submitters: Likely pathogenic (2). Last evaluated 2024-03-28.

Conditions:
Abetalipoproteinaemia (ABL). Also called: Abetalipoproteinemia; Abetalipoproteinemia neuropathy; Apolipoprotein B deficiency; Congenital betalipoprotein deficiency syndrome; MTP DEFICIENCY. Identifiers: Orphanet 14, MedGen C0000744, MONDO:0008692, OMIM 200100, HP:0008181.

Allele frequency attached by ClinVar (database versions not stated): gnomAD exomes below 0.00001.
gnomAD v4.1: 1 of 1,614,006 alleles (0.000062%); highest among the groups gnomAD compares: Admixed American, 0.0017%; no homozygotes.

Submissions (2):

Fulgent Genetics
Classification: Likely pathogenic for Abetalipoproteinaemia. Last evaluated: 2024-03-28. Review status: criteria provided, single submitter. Criteria: ACMG Guidelines, 2015. Collection method: clinical testing. Allele origin: germline.

Labcorp Genetics (formerly Invitae), Labcorp
Classification: Likely pathogenic. Last evaluated: 2022-08-08. Review status: criteria provided, single submitter. Criteria: Invitae Variant Classification Sherloc (09022015). Collection method: clinical testing. Allele origin: germline.
Comment: This variant is present in population databases (no rsID available, gnomAD 0.003%). In summary, the currently available evidence indicates that the variant is pathogenic, but additional data are needed to prove that conclusively. Therefore, this variant has been classified as Likely Pathogenic. Algorithms developed to predict the effect of sequence changes on RNA splicing suggest that this variant may disrupt the consensus splice site. This variant is also known as c.148-2A>G. Disruption of this splice site has been observed in individual(s) with abetalipoproteinemia (PMID: 17275380). This sequence change affects an acceptor splice site in intron 2 of the MTTP gene. It is expected to disrupt RNA splicing. Variants that disrupt the donor or acceptor splice site typically lead to a loss of protein function (PMID: 16199547), and loss-of-function variants in MTTP are known to be pathogenic (PMID: 8533758, 9671739).

Literature cited by the submitters: PubMed 17275380 (cited by Labcorp Genetics (formerly Invitae), Labcorp); PubMed 16199547 (cited by Labcorp Genetics (formerly Invitae), Labcorp); PubMed 8533758 (cited by Labcorp Genetics (formerly Invitae), Labcorp); PubMed 9671739 (cited by Labcorp Genetics (formerly Invitae), Labcorp).

NM_001386140.1(MTTP):c.62-2A>G

Gene: MTTP (microsomal triglyceride transfer protein; plus strand). Cytogenetic location: 4q23.
Variant type: single nucleotide variant.
Coding change: c.62-2A>G on transcript NM_001386140.1 (MANE Select); the canonical splice acceptor site of the intron before coding-DNA position 62, A replaced by G.
Molecular consequence: splice acceptor variant.
Genome position (GRCh38, 1-based): chr4:99,581,903, A>G. VCF-style: chr4-99581903-A-G. GRCh37 (hg19) VCF-style: chr4-100503060-A-G.
Other names: c.62-2A>G (NM_000253.4, NM_000253.3); c.-188-2A>G (NM_001300785.2).
Identifiers: ClinVar variation 2203554 (VCV002203554.5), dbSNP rs1235583687, ClinGen allele CA357500474.
Genomic context (GRCh38, chr4:99,581,903, plus strand): 5'-GATGGTGAGACAGCATGTTCCCTTACAATGAAAACTGGATATGTGTCATTATCTTTATGC[A>G]GGTCACACAACTGGTCTCTCATTAAATAATGACCGGCTGTACAAGCTCACGTACTCCACT-3'